The following is an entry in ClinVar:

ClinVar aggregate classification (germline): Likely benign. Review status: criteria provided, multiple submitters, no conflicts (2 of 4 stars). 3 submissions from 3 submitters: Likely benign (3). Last evaluated 2025-12-24.

Allele frequency attached by ClinVar (database versions not stated): 1000 Genomes Project 30x 0.00016; 1000 Genomes Project 0.00020; gnomAD 0.00043 and 0.00056; ESP Exome Variant Server 0.00046; gnomAD exomes 0.00059 and 0.00076; TOPMed 0.00060; ExAC 0.00064.
gnomAD v4.1: 1,187 of 1,606,654 alleles (0.074%); highest among the groups gnomAD compares: Non-Finnish European, 0.09%; 4 homozygotes.

Submissions (9):

Labcorp Genetics (formerly Invitae), Labcorp
Classification: Likely benign. Last evaluated: 2025-12-24. Review status: criteria provided, single submitter. Criteria: Invitae Variant Classification Sherloc (09022015). Collection method: clinical testing. Allele origin: germline.

CeGaT Center for Human Genetics Tuebingen
Classification: Likely benign. Last evaluated: 2025-04-01. Review status: criteria provided, single submitter. Criteria: CeGaT Center For Human Genetics Tuebingen Variant Classification Criteria Version 2. Collection method: clinical testing. Allele origin: germline. Affected: yes. Observed: 1 variant allele.
Comment: ARHGEF1: BP4, BS2

Blueprint Genetics
Classification: Likely benign. Last evaluated: 2024-10-11. Review status: criteria provided, single submitter. Criteria: ACMG Guidelines, 2015. Collection method: clinical testing. Allele origin: germline.

Dr. Peter K. Rogan Lab, Western University
No classification provided (evidence only). Condition: Clear cell carcinoma of kidney. Review status: no classification provided. Collection method: in vitro. Allele origin: not applicable. Functional consequence: retained intron. Not counted in ClinVar's aggregate classification.

Dr. Peter K. Rogan Lab, Western University
No classification provided (evidence only). Condition: Clear cell carcinoma of kidney. Review status: no classification provided. Collection method: in vitro. Allele origin: not applicable. Functional consequence: retained intron. Not counted in ClinVar's aggregate classification.

Dr. Peter K. Rogan Lab, Western University
No classification provided (evidence only). Condition: Lung cancer. Review status: no classification provided. Collection method: in vitro. Allele origin: not applicable. Functional consequence: retained intron. Not counted in ClinVar's aggregate classification.

Dr. Peter K. Rogan Lab, Western University
No classification provided (evidence only). Condition: Lung cancer. Review status: no classification provided. Collection method: in vitro. Allele origin: not applicable. Functional consequence: retained intron. Not counted in ClinVar's aggregate classification.

Dr. Peter K. Rogan Lab, Western University
No classification provided (evidence only). Condition: Acute myeloid leukemia. Review status: no classification provided. Collection method: in vitro. Allele origin: not applicable. Functional consequence: retained intron. Not counted in ClinVar's aggregate classification.

Dr. Peter K. Rogan Lab, Western University
No classification provided (evidence only). Condition: Ovarian serous cystadenocarcinoma. Review status: no classification provided. Collection method: in vitro. Allele origin: not applicable. Functional consequence: retained intron. Not counted in ClinVar's aggregate classification.

NM_004706.4(ARHGEF1):c.2656-8C>A

Gene: ARHGEF1 (Rho guanine nucleotide exchange factor 1; plus strand). Cytogenetic location: 19q13.2.
Variant type: single nucleotide variant.
Coding change: c.2656-8C>A on transcript NM_004706.4 (MANE Select); 8 bases into the intron before coding-DNA position 2656, C replaced by A.
Molecular consequence: intron variant.
Genome position (GRCh38, 1-based): chr19:41,906,695, C>A. VCF-style: chr19-41906695-C-A. GRCh37 (hg19) VCF-style: chr19-42410847-C-A.
Other names: c.2557-8C>A (NM_198977.2); c.2701-8C>A (NM_199002.2).
Identifiers: ClinVar variation 1081203 (VCV001081203.18), dbSNP rs375845591, ClinGen allele CA9466816.